The following is an entry in ClinVar:

ClinVar aggregate classification (germline): Uncertain significance (1 of 4 stars; one submission).

Conditions:
Spinocerebellar ataxia, autosomal recessive, with axonal neuropathy 2 (SCAN2). Also called: ATAXIA-OCULOMOTOR APRAXIA 2; Ataxia with Oculomotor Apraxia; Ataxia-ocular apraxia-2; Ataxia with Oculomotor Apraxia Type 2. Identifiers: Orphanet 64753, MedGen C1853761, MONDO:0018996, OMIM 606002.
Amyotrophic lateral sclerosis type 4 (ALS4). Also called: AMYOTROPHIC LATERAL SCLEROSIS 4, JUVENILE; NEURONOPATHY, DISTAL HEREDITARY MOTOR, WITH PYRAMIDAL FEATURES. Identifiers: Orphanet 357043, MedGen C1865409, MONDO:0011223, OMIM 602433.

Submission:

Labcorp Genetics (formerly Invitae), Labcorp
Classification: Uncertain significance for Amyotrophic lateral sclerosis type 4; Spinocerebellar ataxia, autosomal recessive, with axonal neuropathy 2. Last evaluated: 2025-04-27. Review status: criteria provided, single submitter. Criteria: Invitae Variant Classification Sherloc (09022015). Collection method: clinical testing. Allele origin: germline.
Comment: This sequence change replaces glutamic acid, which is acidic and polar, with valine, which is neutral and non-polar, at codon 1298 of the SETX protein (p.Glu1298Val). This variant is not present in population databases (gnomAD no frequency). This variant has not been reported in the literature in individuals affected with SETX-related conditions. Invitae Evidence Modeling of protein sequence and biophysical properties (such as structural, functional, and spatial information, amino acid conservation, physicochemical variation, residue mobility, and thermodynamic stability) indicates that this missense variant is not expected to disrupt SETX protein function with a negative predictive value of 95%. In summary, the available evidence is currently insufficient to determine the role of this variant in disease. Therefore, it has been classified as a Variant of Uncertain Significance.

NM_015046.7(SETX):c.3893A>T (p.Glu1298Val)

Gene: SETX (senataxin; minus strand). Cytogenetic location: 9q34.13.
Variant type: single nucleotide variant.
Coding change: c.3893A>T on transcript NM_015046.7 (MANE Select); coding-DNA position 3893, A replaced by T.
Protein change: p.Glu1298Val; replaces glutamic acid 1298 with valine.
Molecular consequence: missense variant.
Genome position (GRCh38, 1-based): chr9:132,327,705, T>A on the plus strand (A>T on the coding strand, the complement: SETX is on the minus strand). VCF-style: chr9-132327705-T-A. GRCh37 (hg19) VCF-style: chr9-135203092-T-A.
Other names: c.3893A>T, p.Glu1298Val (NM_001351527.2, NM_001351528.2); short protein forms E1298V.
Identifiers: ClinVar variation 4789536 (VCV004789536.1).